The following is an entry in ClinVar:

ClinVar aggregate classification (germline): Uncertain significance (1 of 4 stars; one submission).

Conditions:
Progressive encephalopathy with leukodystrophy due to DECR deficiency. Identifiers: Orphanet 431361, MedGen C1857252, MONDO:0014464, OMIM 616034.

Allele frequency attached by ClinVar (database versions not stated): gnomAD exomes below 0.00001; ExAC 0.00001; TOPMed 0.00001; gnomAD 0.00002.
gnomAD v4.1: 9 of 1,612,066 alleles (0.00056%); highest among the groups gnomAD compares: Admixed American, 0.0067%; no homozygotes.

Submission:

Labcorp Genetics (formerly Invitae), Labcorp
Classification: Uncertain significance for Progressive encephalopathy with leukodystrophy due to DECR deficiency. Last evaluated: 2025-07-28. Review status: criteria provided, single submitter. Criteria: Invitae Variant Classification Sherloc (09022015). Collection method: clinical testing. Allele origin: germline.
Comment: This sequence change replaces arginine, which is basic and polar, with cysteine, which is neutral and slightly polar, at codon 390 of the NADK2 protein (p.Arg390Cys). This variant is present in population databases (rs776532188, gnomAD 0.006%). This variant has not been reported in the literature in individuals affected with NADK2-related conditions. ClinVar contains an entry for this variant (Variation ID: 2187785). Invitae Evidence Modeling of protein sequence and biophysical properties (such as structural, functional, and spatial information, amino acid conservation, physicochemical variation, residue mobility, and thermodynamic stability) indicates that this missense variant is not expected to disrupt NADK2 protein function with a negative predictive value of 80%. In summary, the available evidence is currently insufficient to determine the role of this variant in disease. Therefore, it has been classified as a Variant of Uncertain Significance.

NM_001085411.3(NADK2):c.1168C>T (p.Arg390Cys)

Gene: NADK2 (NAD kinase 2, mitochondrial; minus strand). Cytogenetic location: 5p13.2.
Variant type: single nucleotide variant.
Coding change: c.1168C>T on transcript NM_001085411.3 (MANE Select); coding-DNA position 1168, C replaced by T.
Protein change: p.Arg390Cys; replaces arginine 390 with cysteine.
Molecular consequence: missense variant.
Genome position (GRCh38, 1-based): chr5:36,197,563, G>A on the plus strand (C>T on the coding strand, the complement: NADK2 is on the minus strand). VCF-style: chr5-36197563-G-A. GRCh37 (hg19) VCF-style: chr5-36197665-G-A.
Other names: c.679C>T, p.Arg227Cys (NM_001287340.2, NM_153013.5); c.745C>T, p.Arg249Cys (NM_001287341.2); short protein forms R390C, R227C, R249C.
Identifiers: ClinVar variation 2187785 (VCV002187785.4), dbSNP rs776532188, ClinGen allele CA3234500.